The following is an entry in ClinVar:

ClinVar aggregate classification (germline): Uncertain significance. Review status: criteria provided, multiple submitters, no conflicts (2 of 4 stars). 2 submissions from 2 submitters: Uncertain significance (2). Last evaluated 2022-08-26.

Allele frequency attached by ClinVar (database versions not stated): gnomAD 0.00002; gnomAD exomes 0.00004; ExAC 0.00009; 1000 Genomes Project 30x 0.00031; 1000 Genomes Project 0.00040.
gnomAD v4.1: 64 of 1,527,252 alleles (0.0042%); highest among the groups gnomAD compares: South Asian, 0.079%; 1 homozygote.

Submissions (2):

Labcorp Genetics (formerly Invitae), Labcorp
Classification: Uncertain significance. Last evaluated: 2022-08-26. Review status: criteria provided, single submitter. Criteria: Invitae Variant Classification Sherloc (09022015). Collection method: clinical testing. Allele origin: germline.
Comment: This variant has not been reported in the literature in individuals affected with CASZ1-related conditions. In summary, the available evidence is currently insufficient to determine the role of this variant in disease. Therefore, it has been classified as a Variant of Uncertain Significance. Algorithms developed to predict the effect of missense changes on protein structure and function are either unavailable or do not agree on the potential impact of this missense change (SIFT: "Deleterious"; PolyPhen-2: "Benign"; Align-GVGD: "Class C0"). This variant is present in population databases (rs576863717, gnomAD 0.09%), and has an allele count higher than expected for a pathogenic variant. This sequence change replaces aspartic acid, which is acidic and polar, with valine, which is neutral and non-polar, at codon 152 of the CASZ1 protein (p.Asp152Val).

Ambry Genetics
Classification: Uncertain significance. Last evaluated: 2021-12-07. Review status: criteria provided, single submitter. Criteria: Ambry Variant Classification Scheme 2023. Collection method: clinical testing. Allele origin: germline.

NM_001079843.3(CASZ1):c.455A>T (p.Asp152Val)

Gene: CASZ1 (castor zinc finger 1; minus strand). Cytogenetic location: 1p36.22.
Variant type: single nucleotide variant.
Coding change: c.455A>T on transcript NM_001079843.3 (MANE Select); coding-DNA position 455, A replaced by T.
Protein change: p.Asp152Val; replaces aspartic acid 152 with valine.
Molecular consequence: missense variant.
Genome position (GRCh38, 1-based): chr1:10,665,133, T>A on the plus strand (A>T on the coding strand, the complement: CASZ1 is on the minus strand). VCF-style: chr1-10665133-T-A. GRCh37 (hg19) VCF-style: chr1-10725190-T-A.
Other names: c.455A>T, p.Asp152Val (NM_017766.5); c.455A>T (NM_001079843.1); short protein forms D152V.
Identifiers: ClinVar variation 1928215 (VCV001928215.6), dbSNP rs576863717, ClinGen allele CA585441.